The following is an entry in ClinVar:

ClinVar aggregate classification (germline): Uncertain significance. Review status: criteria provided, multiple submitters, no conflicts (2 of 4 stars). 2 submissions from 2 submitters: Uncertain significance (2). Last evaluated 2023-04-06.

Conditions:
Inborn genetic diseases. Identifiers: MedGen C0950123, MeSH D030342.

Allele frequency attached by ClinVar (database versions not stated): gnomAD 0.00001; gnomAD exomes 0.00001.
gnomAD v4.1: 11 of 1,597,064 alleles (0.00069%); highest among the groups gnomAD compares: African/African-American, 0.0013%; no homozygotes.

Submissions (2):

Labcorp Genetics (formerly Invitae), Labcorp
Classification: Uncertain significance. Last evaluated: 2023-04-06. Review status: criteria provided, single submitter. Criteria: Invitae Variant Classification Sherloc (09022015). Collection method: clinical testing. Allele origin: germline.
Comment: In summary, the available evidence is currently insufficient to determine the role of this variant in disease. Therefore, it has been classified as a Variant of Uncertain Significance. This sequence change replaces alanine, which is neutral and non-polar, with valine, which is neutral and non-polar, at codon 492 of the KAT6A protein (p.Ala492Val). This variant is not present in population databases (gnomAD no frequency). This variant has not been reported in the literature in individuals affected with KAT6A-related conditions. ClinVar contains an entry for this variant (Variation ID: 1936166). Advanced modeling of protein sequence and biophysical properties (such as structural, functional, and spatial information, amino acid conservation, physicochemical variation, residue mobility, and thermodynamic stability) performed at Invitae indicates that this missense variant is expected to disrupt KAT6A protein function.

Ambry Genetics
Classification: Uncertain significance for Inborn genetic diseases. Last evaluated: 2022-09-06. Review status: criteria provided, single submitter. Criteria: Ambry Variant Classification Scheme 2023. Collection method: clinical testing. Allele origin: germline.

NM_006766.5(KAT6A):c.1475C>T (p.Ala492Val)

Gene: KAT6A (lysine acetyltransferase 6A; minus strand). Cytogenetic location: 8p11.21.
Variant type: single nucleotide variant.
Coding change: c.1475C>T on transcript NM_006766.5 (MANE Select); coding-DNA position 1475, C replaced by T.
Protein change: p.Ala492Val; replaces alanine 492 with valine.
Molecular consequence: missense variant.
Genome position (GRCh38, 1-based): chr8:41,974,711, G>A on the plus strand (C>T on the coding strand, the complement: KAT6A is on the minus strand). VCF-style: chr8-41974711-G-A. GRCh37 (hg19) VCF-style: chr8-41832229-G-A.
Other names: c.1475C>T, p.Ala492Val (NM_001305878.2); short protein forms A492V.
Identifiers: ClinVar variation 1936166 (VCV001936166.6), dbSNP rs765630759, ClinGen allele CA175962490.